The following is an entry in ClinVar:

NM_006640.5(SEPTIN9):c.7A>G (p.Arg3Gly)

Gene: SEPTIN9 (septin 9; plus strand). Cytogenetic location: 17q25.3.
Variant type: single nucleotide variant.
Coding change: c.7A>G on transcript NM_006640.5 (MANE Plus Clinical); coding-DNA position 7, A replaced by G.
Protein change: p.Arg3Gly; replaces arginine 3 with glycine.
Molecular consequence: missense variant. On other transcripts: intron variant (3).
Genome position (GRCh38, 1-based): chr17:77,320,333, A>G. VCF-style: chr17-77320333-A-G. GRCh37 (hg19) VCF-style: chr17-75316415-A-G.
Other names: c.76+13136A>G (NM_001113491.2); c.19+38779A>G (NM_001293695.2); c.-417+13136A>G (NM_001113492.2); short protein forms R3G.
Identifiers: ClinVar variation 1682570 (VCV001682570.5), dbSNP rs1401399672, ClinGen allele CA401269660.

ClinVar aggregate classification (germline): Uncertain significance (1 of 4 stars; one submission).

Allele frequency attached by ClinVar (database versions not stated): gnomAD exomes below 0.00001; gnomAD 0.00002; TOPMed 0.00002.
gnomAD v4.1: 4 of 1,612,956 alleles (0.00025%); highest among the groups gnomAD compares: Non-Finnish European, 0.00034%; no homozygotes.

Submission:

Labcorp Genetics (formerly Invitae), Labcorp
Classification: Uncertain significance. Last evaluated: 2024-05-29. Review status: criteria provided, single submitter. Criteria: Invitae Variant Classification Sherloc (09022015). Collection method: clinical testing. Allele origin: germline.
Comment: This sequence change replaces arginine, which is basic and polar, with glycine, which is neutral and non-polar, at codon 3 of the SEPT9 protein (p.Arg3Gly). This variant is not present in population databases (gnomAD no frequency). This variant has not been reported in the literature in individuals affected with SEPT9-related conditions. ClinVar contains an entry for this variant (Variation ID: 1682570). An algorithm developed to predict the effect of missense changes on protein structure and function (PolyPhen-2) suggests that this variant is likely to be disruptive. In summary, the available evidence is currently insufficient to determine the role of this variant in disease. Therefore, it has been classified as a Variant of Uncertain Significance.